The following is an entry in ClinVar:

ClinVar aggregate classification (germline): Pathogenic/Likely pathogenic. Review status: criteria provided, multiple submitters, no conflicts (2 of 4 stars). 7 submissions from 7 submitters: Pathogenic (1); Likely pathogenic (5). 1 of the submissions does not count toward it. Last evaluated 2025-12-14.

Conditions:
Argininosuccinate lyase deficiency. Also called: ARGININOSUCCINIC ACID LYASE DEFICIENCY; ASL DEFICIENCY; Argininosuccinic aciduria. Identifiers: Orphanet 23, MedGen C0268547, MONDO:0008815, OMIM 207900, HP:0025630.

Allele frequency attached by ClinVar (database versions not stated): gnomAD exomes 0.00001 and 0.00004; ExAC 0.00003; gnomAD 0.00003; TOPMed 0.00003.

Submissions (7):

Labcorp Genetics (formerly Invitae), Labcorp
Classification: Likely pathogenic for Argininosuccinate lyase deficiency. Last evaluated: 2025-12-14. Review status: criteria provided, single submitter. Criteria: Invitae Variant Classification Sherloc (09022015). Collection method: clinical testing. Allele origin: germline.
Comment: This sequence change replaces arginine, which is basic and polar, with glutamine, which is neutral and polar, at codon 456 of the ASL protein (p.Arg456Gln). This variant is present in population databases (rs767271619, gnomAD 0.03%). This missense change has been observed in individual(s) with argininosuccinate lyase deficiency (PMID: 24166829, 31943503). ClinVar contains an entry for this variant (Variation ID: 551210). Invitae Evidence Modeling of protein sequence and biophysical properties (such as structural, functional, and spatial information, amino acid conservation, physicochemical variation, residue mobility, and thermodynamic stability) indicates that this missense variant is expected to disrupt ASL protein function with a positive predictive value of 95%. This variant disrupts the p.Arg456 amino acid residue in ASL. Other variant(s) that disrupt this residue have been determined to be pathogenic (PMID: 17326097). This suggests that this residue is clinically significant, and that variants that disrupt this residue are likely to be disease-causing. In summary, the currently available evidence indicates that the variant is pathogenic, but additional data are needed to prove that conclusively. Therefore, this variant has been classified as Likely Pathogenic.

Natera, Inc.
Classification: Likely pathogenic for Argininosuccinate lyase deficiency. Last evaluated: 2025-07-27. Review status: criteria provided, single submitter. Criteria: Natera Variant Classification Schema (03/2026). Collection method: clinical testing. Allele origin: germline.
Comment: The c.1367G>A variant in ASL is a missense variant predicted to cause substitution of arginine to glutamine at amino acid 456. This variant is rare in the general population with a frequency below the threshold expected for the associated phenotype(s). This variant has been observed in one or more individuals affected with the associated recessive disease, as either homozygous or compound heterozygous with a second variant (PMID: 31943503). This variant has been identified in one or more affected individual with a phenotype highly consistent with the associated gene (PMID: 31943503). A different variant at the same position has been determined to be Pathogenic or Likely Pathogenic. Given the available evidence, this variant is classified as Likely Pathogenic.

Baylor Genetics
Classification: Pathogenic for Argininosuccinate lyase deficiency. Last evaluated: 2024-03-20. Review status: criteria provided, single submitter. Criteria: ACMG Guidelines, 2015. Collection method: clinical testing. Allele origin: unknown.

Fulgent Genetics
Classification: Likely pathogenic for Argininosuccinate lyase deficiency. Last evaluated: 2024-01-30. Review status: criteria provided, single submitter. Criteria: ACMG Guidelines, 2015. Collection method: clinical testing. Allele origin: germline.

Revvity Omics, Revvity
Classification: Likely pathogenic for Argininosuccinate lyase deficiency. Last evaluated: 2023-07-18. Review status: criteria provided, single submitter. Criteria: ACMG Guidelines, 2015. Collection method: clinical testing. Allele origin: germline.

Molecular Diagnostics Laboratory, M Health Fairview: University of Minnesota
Classification: Likely pathogenic for Argininosuccinate lyase deficiency. Last evaluated: 2023-02-23. Review status: criteria provided, single submitter. Criteria: ACMG Guidelines, 2015. Collection method: clinical testing. Allele origin: germline. Affected: yes.

Counsyl
Classification: Uncertain significance for Argininosuccinate lyase deficiency. Last evaluated: 2017-03-21. Review status: no assertion criteria provided. Collection method: clinical testing. Allele origin: unknown. Not counted in ClinVar's aggregate classification.

Literature cited by the submitters: PubMed 24166829 (cited by Labcorp Genetics (formerly Invitae), Labcorp and Counsyl); PubMed 31943503 (cited by Labcorp Genetics (formerly Invitae), Labcorp and Natera, Inc.); PubMed 17326097 (cited by Labcorp Genetics (formerly Invitae), Labcorp); PubMed 25433810 (cited by Counsyl).

NM_000048.4(ASL):c.1367G>A (p.Arg456Gln)

Gene: ASL (argininosuccinate lyase; plus strand). Cytogenetic location: 7q11.21.
Variant type: single nucleotide variant.
Coding change: c.1367G>A on transcript NM_000048.4 (MANE Select); coding-DNA position 1367, G replaced by A.
Protein change: p.Arg456Gln; replaces arginine 456 with glutamine.
Molecular consequence: missense variant.
Genome position (GRCh38, 1-based): chr7:66,092,884, G>A. VCF-style: chr7-66092884-G-A. GRCh37 (hg19) VCF-style: chr7-65557871-G-A.
Other names: p.Arg456Gln; c.1367G>A, p.Arg456Gln (NM_001024943.2); c.1307G>A, p.Arg436Gln (NM_001024944.2); c.1289G>A, p.Arg430Gln (NM_001024946.2); short protein forms R456Q, R430Q, R436Q.
Identifiers: ClinVar variation 551210 (VCV000551210.16), dbSNP rs767271619, ClinGen allele CA4277403.